The following is an entry in ClinVar:

ClinVar aggregate classification (germline): Uncertain significance. Review status: criteria provided, multiple submitters, no conflicts (2 of 4 stars). 3 submissions from 3 submitters: Uncertain significance (3). Last evaluated 2026-06-30.

Conditions:
COL17A1-related disorder. Also called: COL17A1-related condition.
Inborn genetic diseases. Identifiers: MedGen C0950123, MeSH D030342.

gnomAD v4.1: 125 of 1,614,004 alleles (0.0077%); highest among the groups gnomAD compares: African/African-American, 0.011%; no homozygotes.

Submissions (3):

PreventionGenetics, part of Exact Sciences
Classification: Uncertain significance for COL17A1-related condition. Last evaluated: 2026-06-30. Review status: criteria provided, single submitter. Criteria: ACMG Guidelines, 2015. Collection method: clinical testing. Allele origin: germline.
Comment: The COL17A1 c.4024G>A variant is predicted to result in the amino acid substitution p.Gly1342Ser. To our knowledge, this variant has not been reported in the literature. This variant is reported in 0.010% of alleles in individuals of European (Non-Finnish) descent in gnomAD. At this time, the clinical significance of this variant is uncertain due to the absence of conclusive functional and genetic evidence.

Labcorp Genetics (formerly Invitae), Labcorp
Classification: Uncertain significance. Last evaluated: 2025-12-01. Review status: criteria provided, single submitter. Criteria: Invitae Variant Classification Sherloc (09022015). Collection method: clinical testing. Allele origin: germline.
Comment: This sequence change replaces glycine, which is neutral and non-polar, with serine, which is neutral and polar, at codon 1342 of the COL17A1 protein (p.Gly1342Ser). This variant is present in population databases (rs370471490, gnomAD 0.01%). This variant has not been reported in the literature in individuals affected with COL17A1-related conditions. ClinVar contains an entry for this variant (Variation ID: 3702869). An algorithm developed to predict the effect of missense changes on protein structure and function outputs the following: PolyPhen-2: "Not Available". The serine amino acid residue is found in multiple mammalian species, which suggests that this missense change does not adversely affect protein function. In summary, the available evidence is currently insufficient to determine the role of this variant in disease. Therefore, it has been classified as a Variant of Uncertain Significance.

Ambry Genetics
Classification: Uncertain significance for Inborn genetic diseases. Last evaluated: 2025-02-26. Review status: criteria provided, single submitter. Criteria: Ambry Variant Classification Scheme 2023. Collection method: clinical testing. Allele origin: germline.

NM_000494.4(COL17A1):c.4024G>A (p.Gly1342Ser)

Gene: COL17A1 (collagen type XVII alpha 1 chain; minus strand). Cytogenetic location: 10q25.1.
Variant type: single nucleotide variant.
Coding change: c.4024G>A on transcript NM_000494.4 (MANE Select); coding-DNA position 4024, G replaced by A.
Protein change: p.Gly1342Ser; replaces glycine 1342 with serine.
Molecular consequence: missense variant.
Genome position (GRCh38, 1-based): chr10:104,034,077, C>T on the plus strand (G>A on the coding strand, the complement: COL17A1 is on the minus strand). VCF-style: chr10-104034077-C-T. GRCh37 (hg19) VCF-style: chr10-105793835-C-T.
Other names: c.4024G>A (NM_000494.3); short protein forms G1342S.
Identifiers: ClinVar variation 3702869 (VCV003702869.4).